The following is an entry in ClinVar:

NM_002863.5(PYGL):c.33dup (p.Arg12fs)

Gene: PYGL (glycogen phosphorylase L; minus strand). Cytogenetic location: 14q22.1.
Variant type: Duplication.
Coding change: c.33dup on transcript NM_002863.5 (MANE Select); coding-DNA position 33, one base duplicated (G; older notation c.33dupG).
Protein change: p.Arg12fs; shifts the reading frame from arginine 12.
Molecular consequence: frameshift variant.
Genome position (GRCh38, 1-based): chr14:50,944,371, C duplicated on the plus strand (G on the coding strand, the reverse complement: PYGL is on the minus strand); the first of 2 consecutive C bases (chr14:50,944,371-50,944,372); duplicating either gives the same sequence. VCF-style (leftmost placement, unchanged base first): chr14-50944370-G-GC. GRCh37 (hg19) VCF-style: chr14-51411088-G-GC.
Other names: c.33dup, p.Arg12fs (NM_001163940.2); short protein forms R12fs.
Identifiers: ClinVar variation 998112 (VCV000998112.1), dbSNP rs2050731690, ClinGen allele CA2136438518.

ClinVar aggregate classification (germline): Pathogenic (1 of 4 stars; one submission).

Conditions:
Glycogen storage disease, type VI (GSD6). Also called: Glycogen storage disease type 6; Hepatic glycogen phosphorylase deficiency; HERS DISEASE; PHOSPHORYLASE DEFICIENCY GLYCOGEN-STORAGE DISEASE OF LIVER; Glycogen storage disease type 6, due to phosphorylation; GSD VI. Identifiers: Orphanet 369, MedGen C0017925, MONDO:0009294, OMIM 232700.

Submission:

Centre for Human Genetics
Classification: Pathogenic for Glycogen storage disease, type VI. Last evaluated: 2020-08-27. Review status: criteria provided, single submitter. Criteria: ACMG Guidelines, 2015. Collection method: clinical testing. Allele origin: inherited. Inheritance: Autosomal recessive inheritance. Affected: yes. Observed: 1 variant allele.
Comment: disease causing